The following is an entry in ClinVar:

NM_001918.5(DBT):c.363_364del (p.Tyr122fs)

Gene: DBT (dihydrolipoamide branched chain transacylase E2; minus strand). Cytogenetic location: 1p21.2.
Variant type: Microsatellite.
Coding change: c.363_364del on transcript NM_001918.5 (MANE Select); coding-DNA positions 363 to 364, 2 bases deleted (CT; older notation c.363_364delCT).
Protein change: p.Tyr122fs; shifts the reading frame from tyrosine 122.
Molecular consequence: frameshift variant.
Genome position (GRCh38, 1-based): chr1:100,230,802-100,230,803, AG deleted on the plus strand (CT on the coding strand, the reverse complement: DBT is on the minus strand); deleting any 2 consecutive bases within chr1:100,230,802-100,230,805 gives the same sequence; the c. name uses the placement nearest the transcript's 3' end. VCF-style (leftmost placement, unchanged base first): chr1-100230801-TAG-T. GRCh37 (hg19) VCF-style: chr1-100696357-TAG-T.
Other names: c.363_364del (NM_001918.3); short protein forms Y122fs.
Identifiers: ClinVar variation 1331436 (VCV001331436.12), dbSNP rs753574354, ClinGen allele CA969771.

ClinVar aggregate classification (germline): Pathogenic. Review status: criteria provided, multiple submitters, no conflicts (2 of 4 stars). 5 submissions from 5 submitters: Pathogenic (5). Last evaluated 2024-03-10.

Conditions:
Maple syrup urine disease type 2 (MSUD2). Also called: Maple syrup urine disease, type II. Identifiers: MedGen C1855371, MONDO:0023693, OMIM 620699.
Maple syrup urine disease (MSUD). Identifiers: Orphanet 511, MedGen C0024776, MeSH D008375, MONDO:0009563. Disease mechanism: loss of function.

Submissions (5):

Fulgent Genetics
Classification: Pathogenic for Maple syrup urine disease type 2. Last evaluated: 2024-03-10. Review status: criteria provided, single submitter. Criteria: ACMG Guidelines, 2015. Collection method: clinical testing. Allele origin: germline.

Baylor Genetics
Classification: Pathogenic for Maple syrup urine disease type 1A. Last evaluated: 2023-05-10. Review status: criteria provided, single submitter. Criteria: ACMG Guidelines, 2015. Collection method: clinical testing. Allele origin: unknown.

Genome-Nilou Lab
Classification: Pathogenic for Maple syrup urine disease type 1A. Last evaluated: 2023-04-11. Review status: criteria provided, single submitter. Criteria: ACMG Guidelines, 2015. Collection method: clinical testing. Allele origin: germline. Affected: no.

Labcorp Genetics (formerly Invitae), Labcorp
Classification: Pathogenic for Maple syrup urine disease. Last evaluated: 2022-02-10. Review status: criteria provided, single submitter. Criteria: Invitae Variant Classification Sherloc (09022015). Collection method: clinical testing. Allele origin: germline.
Comment: For these reasons, this variant has been classified as Pathogenic. ClinVar contains an entry for this variant (Variation ID: 1331436). This premature translational stop signal has been observed in individual(s) with maple syrup urine disease (PMID: 18378174). This variant is present in population databases (rs753574354, gnomAD 0.002%). This sequence change creates a premature translational stop signal (p.Tyr122Leufs*2) in the DBT gene. It is expected to result in an absent or disrupted protein product. Loss-of-function variants in DBT are known to be pathogenic (PMID: 16579849, 16786533).

Women's Health and Genetics/Laboratory Corporation of America, LabCorp
Classification: Pathogenic for Maple syrup urine disease. Last evaluated: 2021-12-17. Review status: criteria provided, single submitter. Criteria: LabCorp Variant Classification Summary - May 2015. Collection method: clinical testing. Allele origin: germline.
Comment: Variant summary: DBT c.363_364delCT (p.Tyr122LeufsX2) results in a premature termination codon, predicted to cause a truncation of the encoded protein or absence of the protein due to nonsense mediated decay, which are commonly known mechanisms for disease. Truncations downstream of this position have been classified as pathogenic via ClinVar. The variant allele was found at a frequency of 8e-06 in 250946 control chromosomes. c.363_364delCT has been reported in the literature in multiple individuals affected with Maple Syrup Urine Disease (Quental_2008, Abiri_2019). These data indicate that the variant is very likely to be associated with disease. To our knowledge, no experimental evidence demonstrating an impact on protein function has been reported. No clinical diagnostic laboratories have submitted clinical-significance assessments for this variant to ClinVar after 2014. Based on the evidence outlined above, the variant was classified as pathogenic.

Literature cited by the submitters: PubMed 18378174 (cited by Labcorp Genetics (formerly Invitae), Labcorp and Women's Health and Genetics/Laboratory Corporation of America, LabCorp); PubMed 16579849 (cited by Labcorp Genetics (formerly Invitae), Labcorp); PubMed 16786533 (cited by Labcorp Genetics (formerly Invitae), Labcorp); PubMed 31119508 (cited by Women's Health and Genetics/Laboratory Corporation of America, LabCorp).